The following is an entry in ClinVar:

NM_182961.4(SYNE1):c.13072G>C (p.Glu4358Gln)

Gene: SYNE1 (spectrin repeat containing nuclear envelope protein 1; minus strand). Cytogenetic location: 6q25.2.
Variant type: single nucleotide variant.
Coding change: c.13072G>C on transcript NM_182961.4 (MANE Select); coding-DNA position 13072, G replaced by C.
Protein change: p.Glu4358Gln; replaces glutamic acid 4358 with glutamine.
Molecular consequence: missense variant.
Genome position (GRCh38, 1-based): chr6:152,331,613, C>G on the plus strand (G>C on the coding strand, the complement: SYNE1 is on the minus strand). VCF-style: chr6-152331613-C-G. GRCh37 (hg19) VCF-style: chr6-152652748-C-G.
Other names: c.12859G>C, p.Glu4287Gln (NM_033071.5); short protein forms E4287Q, E4358Q.
Identifiers: ClinVar variation 3571831 (VCV003571831.1).

ClinVar aggregate classification (germline): Uncertain significance (1 of 4 stars; one submission).

gnomAD v4.1: 23 of 1,614,048 alleles (0.0014%); highest among the groups gnomAD compares: Non-Finnish European, 0.0019%; no homozygotes.

Submission:

Athena Diagnostics
Classification: Uncertain significance. Last evaluated: 2024-06-03. Review status: criteria provided, single submitter. Criteria: Athena Diagnostics Criteria. Collection method: clinical testing. Allele origin: unknown.
Comment: Available data are insufficient to determine the clinical significance of the variant at this time. The frequency of this variant in the general population is uninformative in assessment of its pathogenicity. Polyphen and MutationTaster predict this amino acid change may be benign.